The following is an entry in ClinVar:

NM_016628.5(WAC):c.1437+1G>A

Gene: WAC (WW domain containing adaptor with coiled-coil; plus strand). Cytogenetic location: 10p12.1.
Variant type: single nucleotide variant.
Coding change: c.1437+1G>A on transcript NM_016628.5 (MANE Select); the canonical splice donor site of the intron after coding-DNA position 1437, G replaced by A.
Molecular consequence: splice donor variant.
Genome position (GRCh38, 1-based): chr10:28,611,923, G>A. VCF-style: chr10-28611923-G-A. GRCh37 (hg19) VCF-style: chr10-28900852-G-A.
Other names: c.1302+1G>A (NM_100264.3); c.1128+1G>A (NM_100486.4).
Identifiers: ClinVar variation 438308 (VCV000438308.44), dbSNP rs1554791124, ClinGen allele CA376403846.

ClinVar aggregate classification (germline): Pathogenic/Likely pathogenic. Review status: criteria provided, multiple submitters, no conflicts (2 of 4 stars). 4 submissions from 4 submitters: Pathogenic (2); Likely pathogenic (1). 1 of the submissions does not count toward it. Last evaluated 2026-03-05.

Conditions:
Shwachman syndrome. Also called: PANCREATIC INSUFFICIENCY AND BONE MARROW DYSFUNCTION; Shwachman-Diamond Syndrome; SHWACHMAN-BODIAN SYNDROME. Identifiers: Orphanet 811, MedGen C0272170, MONDO:0009833.
DeSanto-Shinawi syndrome due to WAC point mutation (DESSH). Also called: DEVELOPMENTAL DELAY, BEHAVIORAL ABNORMALITIES, FACIAL DYSMORPHISM, AND OCULAR ABNORMALITIES; Facial dysmorphism-developmental delay-behavioral abnormalities syndrome due to WAC point mutation; WAC-Related Intellectual Disability. Identifiers: Orphanet 284169, Orphanet 466950, MedGen C5681129, MONDO:0014741, OMIM 616708.

Submissions (4):

Mendelics
Classification: Pathogenic for Shwachman syndrome. Last evaluated: 2026-03-05. Review status: criteria provided, single submitter. Criteria: ACMG Guidelines, 2015. Collection method: clinical testing. Allele origin: unknown.
Comment: Likely pathogenic/Pathogenic according to ACMG criteria.

GeneDx
Classification: Pathogenic. Last evaluated: 2023-05-01. Review status: criteria provided, single submitter. Criteria: GeneDx Variant Classification Process June 2021. Collection method: clinical testing. Allele origin: germline. Affected: yes.
Comment: Canonical splice site variant predicted to result in a null allele in a gene for which loss of function is a known mechanism of disease; Not observed at significant frequency in large population cohorts (gnomAD); This variant is associated with the following publications: (PMID: 35599849, 29928181, 35018708)

CeGaT Center for Human Genetics Tuebingen
Classification: Likely pathogenic. Last evaluated: 2016-10-01. Review status: criteria provided, single submitter. Criteria: CeGaT Center For Human Genetics Tuebingen Variant Classification Criteria Version 2. Collection method: clinical testing. Allele origin: germline. Affected: yes. Observed: 1 variant allele.

Molecular Genetics Laboratory, BC Children's and BC Women's Hospitals
Classification: Pathogenic for DeSanto-Shinawi syndrome due to WAC point mutation. Last evaluated: 2016-09-22. Review status: no assertion criteria provided. Criteria: ACMG Guidelines, 2015. Collection method: clinical testing. Allele origin: de novo. Affected: yes. Not counted in ClinVar's aggregate classification.